The following is an entry in ClinVar:

NM_003803.4(MYOM1):c.333G>T (p.Lys111Asn)

Gene: MYOM1 (myomesin 1; minus strand). Cytogenetic location: 18p11.31.
Variant type: single nucleotide variant.
Coding change: c.333G>T on transcript NM_003803.4 (MANE Select); coding-DNA position 333, G replaced by T.
Protein change: p.Lys111Asn; replaces lysine 111 with asparagine.
Molecular consequence: missense variant.
Genome position (GRCh38, 1-based): chr18:3,193,916, C>A on the plus strand (G>T on the coding strand, the complement: MYOM1 is on the minus strand). VCF-style: chr18-3193916-C-A. GRCh37 (hg19) VCF-style: chr18-3193914-C-A.
Other names: c.333G>T, p.Lys111Asn (NM_019856.2); short protein forms K111N.
Identifiers: ClinVar variation 3223560 (VCV003223560.1), dbSNP rs2510726641, ClinGen allele CA401717344.

ClinVar aggregate classification (germline): Uncertain significance (1 of 4 stars; one submission).

Submission:

Ambry Genetics
Classification: Uncertain significance. Last evaluated: 2024-01-11. Review status: criteria provided, single submitter. Criteria: Ambry Variant Classification Scheme 2023. Collection method: clinical testing. Allele origin: germline.
Comment: The p.K111N variant (also known as c.333G>T), located in coding exon 2 of the MYOM1 gene, results from a G to T substitution at nucleotide position 333. The lysine at codon 111 is replaced by asparagine, an amino acid with similar properties. This amino acid position is conserved. In addition, this alteration is predicted to be tolerated by in silico analysis. Since supporting evidence is limited at this time, the clinical significance of this alteration remains unclear.